The following is an entry in ClinVar:

ClinVar aggregate classification (germline): Uncertain significance (1 of 4 stars; one submission).

Allele frequency attached by ClinVar (database versions not stated): gnomAD exomes below 0.00001.

Submission:

Labcorp Genetics (formerly Invitae), Labcorp
Classification: Uncertain significance. Last evaluated: 2022-07-14. Review status: criteria provided, single submitter. Criteria: Invitae Variant Classification Sherloc (09022015). Collection method: clinical testing. Allele origin: germline.
Comment: This sequence change replaces cysteine, which is neutral and slightly polar, with arginine, which is basic and polar, at codon 648 of the IFT81 protein (p.Cys648Arg). In summary, the available evidence is currently insufficient to determine the role of this variant in disease. Therefore, it has been classified as a Variant of Uncertain Significance. Algorithms developed to predict the effect of missense changes on protein structure and function are either unavailable or do not agree on the potential impact of this missense change (SIFT: "Deleterious"; PolyPhen-2: "Probably Damaging"; Align-GVGD: "Class C0"). This variant has not been reported in the literature in individuals affected with IFT81-related conditions. This variant is not present in population databases (gnomAD no frequency).

NM_014055.4(IFT81):c.1942T>C (p.Cys648Arg)

Gene: IFT81 (intraflagellar transport 81; plus strand). Cytogenetic location: 12q24.11.
Variant type: single nucleotide variant.
Coding change: c.1942T>C on transcript NM_014055.4 (MANE Select); coding-DNA position 1942, T replaced by C.
Protein change: p.Cys648Arg; replaces cysteine 648 with arginine.
Molecular consequence: missense variant. On other transcripts: non-coding transcript variant (4).
Genome position (GRCh38, 1-based): chr12:110,218,137, T>C. VCF-style: chr12-110218137-T-C. GRCh37 (hg19) VCF-style: chr12-110655942-T-C.
Other names: c.1942T>C, p.Cys648Arg (NM_001143779.2); c.1012T>C, p.Cys338Arg (NM_001347947.2, NM_001347948.2); short protein forms C338R, C648R.
Identifiers: ClinVar variation 1715549 (VCV001715549.5), dbSNP rs2500103337, ClinGen allele CA386910996.